The following is an entry in ClinVar:

ClinVar aggregate classification (germline): Uncertain significance (1 of 4 stars; one submission).

Submission:

Ambry Genetics
Classification: Uncertain significance. Last evaluated: 2022-09-11. Review status: criteria provided, single submitter. Criteria: Ambry Variant Classification Scheme 2023. Collection method: clinical testing. Allele origin: germline.
Comment: The p.C371R variant (also known as c.1111T>C), located in coding exon 5 of the MNDA gene, results from a T to C substitution at nucleotide position 1111. The cysteine at codon 371 is replaced by arginine, an amino acid with highly dissimilar properties. This amino acid position is conserved. In addition, this alteration is predicted to be tolerated by in silico analysis. Since supporting evidence is limited at this time, the clinical significance of this alteration remains unclear.

NM_002432.3(MNDA):c.1111T>C (p.Cys371Arg)

Gene: MNDA (myeloid cell nuclear differentiation antigen; plus strand). Cytogenetic location: 1q23.1.
Variant type: single nucleotide variant.
Coding change: c.1111T>C on transcript NM_002432.3 (MANE Select); coding-DNA position 1111, T replaced by C.
Protein change: p.Cys371Arg; replaces cysteine 371 with arginine.
Molecular consequence: missense variant.
Genome position (GRCh38, 1-based): chr1:158,847,851, T>C. VCF-style: chr1-158847851-T-C. GRCh37 (hg19) VCF-style: chr1-158817641-T-C.
Other names: short protein forms C371R.
Identifiers: ClinVar variation 1795335 (VCV001795335.2), dbSNP rs2526092744, ClinGen allele CA343044589.